The following is an entry in ClinVar:

ClinVar aggregate classification (germline): Uncertain significance. Review status: criteria provided, multiple submitters, no conflicts (2 of 4 stars). 4 submissions from 4 submitters: Uncertain significance (4). Last evaluated 2025-10-21.

Conditions:
Epidermolysis bullosa simplex with nail dystrophy (EBS5D). Identifiers: MedGen C4225309, MONDO:0014661, OMIM 616487.
Epidermolysis bullosa simplex, Ogna type (EBS5A). Also called: Pidermolysis bullosa simplex 5A, Ogna type; EPIDERMOLYSIS BULLOSA SIMPLEX 5A, OGNA TYPE. Identifiers: Orphanet 79401, MedGen C0432317, MONDO:0007555, OMIM 131950.
Autosomal recessive limb-girdle muscular dystrophy type 2Q (LGMDR17). Also called: MUSCULAR DYSTROPHY, LIMB-GIRDLE, AUTOSOMAL RECESSIVE 17. Identifiers: Orphanet 254361, MedGen C3150989, MONDO:0013390, OMIM 613723.
Epidermolysis bullosa simplex 5C, with pyloric atresia (EBS5C). Also called: PLEC-Related Epidermolysis Bullosa with Pyloric Atresia; Epidermolysis bullosa simplex with pyloric atresia; PLEC1-Related Epidermolysis Bullosa with Pyloric Atresia. Identifiers: Orphanet 158684, MedGen C2677349, MONDO:0012807, OMIM 612138.
Epidermolysis bullosa simplex 5B, with muscular dystrophy (EBS5B). Also called: EPIDERMOLYSIS BULLOSA SIMPLEX AND LIMB-GIRDLE MUSCULAR DYSTROPHY; Epidermolysis bullosa simplex with muscular dystrophy. Identifiers: Orphanet 257, MedGen C2931072, MONDO:0009181, OMIM 226670.
Inborn genetic diseases. Identifiers: MedGen C0950123, MeSH D030342.

Allele frequency attached by ClinVar (database versions not stated): TOPMed 0.00001.
gnomAD v4.1: 32 of 1,601,686 alleles (0.002%); highest among the groups gnomAD compares: Non-Finnish European, 0.0024%; no homozygotes.

Submissions (4):

Ambry Genetics
Classification: Uncertain significance for Inborn genetic diseases. Last evaluated: 2025-10-21. Review status: criteria provided, single submitter. Criteria: Ambry Variant Classification Scheme 2023. Collection method: clinical testing. Allele origin: germline.

Labcorp Genetics (formerly Invitae), Labcorp
Classification: Uncertain significance for Autosomal recessive limb-girdle muscular dystrophy type 2Q; Epidermolysis bullosa simplex, Ogna type; Epidermolysis bullosa simplex with nail dystrophy; Epidermolysis bullosa simplex 5C, with pyloric atresia; Epidermolysis bullosa simplex 5B, with muscular dystrophy. Last evaluated: 2025-04-14. Review status: criteria provided, single submitter. Criteria: Invitae Variant Classification Sherloc (09022015). Collection method: clinical testing. Allele origin: germline.
Comment: This sequence change replaces glycine, which is neutral and non-polar, with arginine, which is basic and polar, at codon 1127 of the PLEC protein (p.Gly1127Arg). This variant is present in population databases (rs201404741, gnomAD 0.009%). This variant has not been reported in the literature in individuals affected with PLEC-related conditions. ClinVar contains an entry for this variant (Variation ID: 471572). Invitae Evidence Modeling of protein sequence and biophysical properties (such as structural, functional, and spatial information, amino acid conservation, physicochemical variation, residue mobility, and thermodynamic stability) indicates that this missense variant is not expected to disrupt PLEC protein function with a negative predictive value of 80%. In summary, the available evidence is currently insufficient to determine the role of this variant in disease. Therefore, it has been classified as a Variant of Uncertain Significance.

GeneDx
Classification: Uncertain significance. Last evaluated: 2025-01-13. Review status: criteria provided, single submitter. Criteria: GeneDx Variant Classification Process June 2021. Collection method: clinical testing. Allele origin: germline. Affected: yes.
Comment: Not observed at significant frequency in large population cohorts (gnomAD); In silico analysis supports that this missense variant has a deleterious effect on protein structure/function; Missense variant in a gene in which most reported pathogenic variants are truncating/loss of function; Has not been previously published as pathogenic or benign to our knowledge

Revvity Omics, Revvity
Classification: Uncertain significance. Last evaluated: 2019-03-06. Review status: criteria provided, single submitter. Criteria: ACMG Guidelines, 2015. Collection method: clinical testing. Allele origin: germline.

NM_201384.3(PLEC):c.3298G>A (p.Gly1100Arg)

Gene: PLEC (plectin; minus strand). Cytogenetic location: 8q24.3.
Variant type: single nucleotide variant.
Coding change: c.3298G>A on transcript NM_201384.3 (MANE Select); coding-DNA position 3298, G replaced by A.
Protein change: p.Gly1100Arg; replaces glycine 1100 with arginine.
Molecular consequence: missense variant.
Genome position (GRCh38, 1-based): chr8:143,927,955, C>T on the plus strand (G>A on the coding strand, the complement: PLEC is on the minus strand). VCF-style: chr8-143927955-C-T. GRCh37 (hg19) VCF-style: chr8-145002123-C-T.
Other names: c.3379G>A, p.Gly1127Arg (NM_000445.5); c.3256G>A, p.Gly1086Arg (NM_201378.4); c.3232G>A, p.Gly1078Arg (NM_201379.3); c.3709G>A, p.Gly1237Arg (NM_201380.4); c.3202G>A, p.Gly1068Arg (NM_201381.3); c.3298G>A, p.Gly1100Arg (NM_201382.4); c.3310G>A, p.Gly1104Arg (NM_201383.3); c.3379G>A (NM_000445.3); short protein forms G1127R, G1068R, G1078R, G1086R, G1237R, G1100R, G1104R.
Identifiers: ClinVar variation 471572 (VCV000471572.9), dbSNP rs201404741, ClinGen allele CA4927128.